The following is an entry in ClinVar:

ClinVar aggregate classification (germline): Uncertain significance (1 of 4 stars; one submission).

Conditions:
Familial cancer of breast. Also called: hereditary breast carcinoma; BREAST CANCER, FAMILIAL; Hereditary breast cancer. Identifiers: Orphanet 227535, MedGen C0346153, MONDO:0016419, OMIM 114480. Disease mechanism: loss of function.

Submission:

Labcorp Genetics (formerly Invitae), Labcorp
Classification: Uncertain significance for Familial cancer of breast. Last evaluated: 2019-08-14. Review status: criteria provided, single submitter. Criteria: Invitae Variant Classification Sherloc (09022015). Collection method: clinical testing. Allele origin: germline.
Comment: In summary, the available evidence is currently insufficient to determine the role of this variant in disease. Therefore, it has been classified as a Variant of Uncertain Significance. Algorithms developed to predict the effect of missense changes on protein structure and function output the following: SIFT: "Tolerated"; PolyPhen-2: "Benign"; Align-GVGD: "Class C0". The arginine amino acid residue is found in multiple mammalian species, suggesting that this missense change does not adversely affect protein function. These predictions have not been confirmed by published functional studies and their clinical significance is uncertain. This variant has not been reported in the literature in individuals with CHEK2-related disease. This variant is not present in population databases (ExAC no frequency). This sequence change replaces serine with arginine at codon 120 of the CHEK2 protein (p.Ser120Arg). The serine residue is moderately conserved and there is a moderate physicochemical difference between serine and arginine.

NM_007194.4(CHEK2):c.358A>C (p.Ser120Arg)

Gene: CHEK2 (checkpoint kinase 2; minus strand). Cytogenetic location: 22q12.1.
Variant type: single nucleotide variant.
Coding change: c.358A>C on transcript NM_007194.4 (MANE Select); coding-DNA position 358, A replaced by C.
Protein change: p.Ser120Arg; replaces serine 120 with arginine.
Molecular consequence: missense variant.
Genome position (GRCh38, 1-based): chr22:28,725,329, T>G on the plus strand (A>C on the coding strand, the complement: CHEK2 is on the minus strand). VCF-style: chr22-28725329-T-G. GRCh37 (hg19) VCF-style: chr22-29121317-T-G.
Other names: c.487A>C, p.Ser163Arg (NM_001005735.3); c.-420A>C (NM_001257387.3); c.358A>C, p.Ser120Arg (NM_001349956.3, NM_145862.3); short protein forms S120R, S163R.
Identifiers: ClinVar variation 644410 (VCV000644410.11), dbSNP rs1601825853, ClinGen allele CA411108165.
Genomic context (GRCh38, chr22:28,725,329, plus strand): 5'-TGTATGTTCGGTATTTATCTGTTCTTTTCAGCAGTGGTTCATCAAAGCAATATTCACAGC[T>G]TTTGTCCCTCCCAAACCAGTAGTTGTCATTCACACATTCTGTAATATAAAAGCATGCATC-3'
Protein context (NP_009125.1, residues 110-130): NDNYWFGRDK[Ser120Arg]CEYCFDEPLL